The following is an entry in ClinVar:

NM_152564.5(VPS13B):c.1303-9G>A

Gene: VPS13B (vacuolar protein sorting 13 homolog B; plus strand). Cytogenetic location: 8q22.2.
Variant type: single nucleotide variant.
Coding change: c.1303-9G>A on transcript NM_152564.5 (MANE Select); 9 bases into the intron before coding-DNA position 1303, G replaced by A.
Molecular consequence: intron variant.
Genome position (GRCh38, 1-based): chr8:99,135,006, G>A. VCF-style: chr8-99135006-G-A. GRCh37 (hg19) VCF-style: chr8-100147234-G-A.
Other names: c.1303-9G>A (NM_152564.4, NM_017890.5, NM_015243.3).
Identifiers: ClinVar variation 754811 (VCV000754811.17), dbSNP rs370251445, ClinGen allele CA4822610.

ClinVar aggregate classification (germline): Likely benign. Review status: criteria provided, multiple submitters, no conflicts (2 of 4 stars). 6 submissions from 6 submitters: Likely benign (2). 4 of the submissions do not count toward it. Last evaluated 2026-01-26.

Conditions:
VPS13B-related disorder. Also called: VPS13B-related condition.
Cohen syndrome (COH1). Also called: Cutis verticis gyrata, retinitis pigmentosa, and sensorineural deafness; PEPPER SYNDROME. Identifiers: Orphanet 193, MedGen C0265223, MONDO:0008999, OMIM 216550.

Allele frequency attached by ClinVar (database versions not stated): gnomAD exomes 0.00004; TOPMed 0.00004; gnomAD 0.00006; ExAC 0.00007; ESP Exome Variant Server 0.00008; 1000 Genomes Project 30x 0.00016; 1000 Genomes Project 0.00020.
gnomAD v4.1: 97 of 1,613,130 alleles (0.006%); highest among the groups gnomAD compares: South Asian, 0.0077%; 1 homozygote.

Submissions (6):

Labcorp Genetics (formerly Invitae), Labcorp
Classification: Likely benign for Cohen syndrome. Last evaluated: 2026-01-26. Review status: criteria provided, single submitter. Criteria: Invitae Variant Classification Sherloc (09022015). Collection method: clinical testing. Allele origin: germline.

Blueprint Genetics
Classification: Likely benign. Last evaluated: 2024-10-14. Review status: criteria provided, single submitter. Criteria: ACMG Guidelines, 2015. Collection method: clinical testing. Allele origin: germline.

PreventionGenetics, part of Exact Sciences
Classification: Likely benign for VPS13B-related condition. Last evaluated: 2022-10-27. Review status: no assertion criteria provided. Collection method: clinical testing. Allele origin: germline. Not counted in ClinVar's aggregate classification.
Comment: This variant is classified as likely benign based on ACMG/AMP sequence variant interpretation guidelines (Richards et al. 2015 PMID: 25741868, with internal and published modifications).

Clinical Genetics DNA and cytogenetics Diagnostics Lab, Erasmus MC, Erasmus Medical Center
Classification: Likely benign. Review status: no assertion criteria provided. Collection method: clinical testing. Allele origin: germline. Affected: yes. Study: VKGL Data-share Consensus. Not counted in ClinVar's aggregate classification.

Clinical Genetics, Academic Medical Center
Classification: Likely benign. Review status: no assertion criteria provided. Collection method: clinical testing. Allele origin: germline. Affected: yes. Study: VKGL Data-share Consensus. Not counted in ClinVar's aggregate classification.

Genome Diagnostics Laboratory, University Medical Center Utrecht
Classification: Likely benign. Review status: no assertion criteria provided. Collection method: clinical testing. Allele origin: germline. Affected: yes. Study: VKGL Data-share Consensus. Not counted in ClinVar's aggregate classification.